The following is an entry in ClinVar:

NM_021813.4(BACH2):c.332G>A (p.Arg111His)

Gene: BACH2 (BACH transcriptional regulator 2; minus strand). Cytogenetic location: 6q15.
Variant type: single nucleotide variant.
Coding change: c.332G>A on transcript NM_021813.4 (MANE Select); coding-DNA position 332, G replaced by A.
Protein change: p.Arg111His; replaces arginine 111 with histidine.
Molecular consequence: missense variant.
Genome position (GRCh38, 1-based): chr6:89,951,774, C>T on the plus strand (G>A on the coding strand, the complement: BACH2 is on the minus strand). VCF-style: chr6-89951774-C-T. GRCh37 (hg19) VCF-style: chr6-90661493-C-T.
Other names: c.332G>A, p.Arg111His (NM_001170794.2); c.332G>A (NM_021813.2); short protein forms R111H.
Identifiers: ClinVar variation 1522819 (VCV001522819.7), dbSNP rs150524925, ClinGen allele CA3928186.

ClinVar aggregate classification (germline): Uncertain significance. Review status: criteria provided, multiple submitters, no conflicts (2 of 4 stars). 2 submissions from 2 submitters: Uncertain significance (2). Last evaluated 2025-12-02.

Allele frequency attached by ClinVar (database versions not stated): gnomAD exomes 0.00005 and 0.00031; ExAC 0.00008; TOPMed 0.00014; ESP Exome Variant Server 0.00031.
gnomAD v4.1: 452 of 1,614,090 alleles (0.028%); highest among the groups gnomAD compares: Non-Finnish European, 0.037%; no homozygotes.

Submissions (2):

Labcorp Genetics (formerly Invitae), Labcorp
Classification: Uncertain significance. Last evaluated: 2025-12-02. Review status: criteria provided, single submitter. Criteria: Invitae Variant Classification Sherloc (09022015). Collection method: clinical testing. Allele origin: germline.
Comment: This sequence change replaces arginine, which is basic and polar, with histidine, which is basic and polar, at codon 111 of the BACH2 protein (p.Arg111His). This variant is present in population databases (rs150524925, gnomAD 0.01%). This variant has not been reported in the literature in individuals affected with BACH2-related conditions. ClinVar contains an entry for this variant (Variation ID: 1522819). Invitae Evidence Modeling of protein sequence and biophysical properties (such as structural, functional, and spatial information, amino acid conservation, physicochemical variation, residue mobility, and thermodynamic stability) indicates that this missense variant is not expected to disrupt BACH2 protein function with a negative predictive value of 80%. In summary, the available evidence is currently insufficient to determine the role of this variant in disease. Therefore, it has been classified as a Variant of Uncertain Significance.

Ambry Genetics
Classification: Uncertain significance. Last evaluated: 2023-11-27. Review status: criteria provided, single submitter. Criteria: Ambry Variant Classification Scheme 2023. Collection method: clinical testing. Allele origin: germline.